The following is an entry in ClinVar:

NM_006493.4(CLN5):c.936T>G (p.Phe312Leu)

Gene: CLN5 (CLN5 lysosomal BMP synthase; plus strand). Cytogenetic location: 13q22.3.
Variant type: single nucleotide variant.
Coding change: c.936T>G on transcript NM_006493.4 (MANE Select); coding-DNA position 936, T replaced by G.
Protein change: p.Phe312Leu; replaces phenylalanine 312 with leucine.
Molecular consequence: missense variant. On other transcripts: 3 prime UTR variant (1).
Genome position (GRCh38, 1-based): chr13:77,000,828, T>G. VCF-style: chr13-77000828-T-G. GRCh37 (hg19) VCF-style: chr13-77574963-T-G.
Other names: c.*385T>G (NM_001366624.2); short protein forms F312L.
Identifiers: ClinVar variation 1522786 (VCV001522786.6), dbSNP rs2154035192, ClinGen allele CA388314296.
Genomic context (GRCh38, chr13:77,000,828, plus strand): 5'-TTACCCCTTCAAACCACATTTGCCAACTAAAGAATTTCTGTTGAGTCTCTTGCAAATTTT[T>G]GATGCAGTGATTGTGCACAAACAGTTCTATTTGTTTTATAATTTTGAATATTGGTTTTTA-3'
Protein context (NP_006484.2, residues 302-322): KEFLLSLLQI[Phe312Leu]DAVIVHKQFY

ClinVar aggregate classification (germline): Uncertain significance (1 of 4 stars; one submission).

Conditions:
Neuronal ceroid lipofuscinosis. Also called: Neuronal Ceroid Lipofuscinoses. Identifiers: Orphanet 216, Orphanet 79263, MedGen C0027877, MONDO:0016295. Disease mechanism: loss of function.

Submission:

Labcorp Genetics (formerly Invitae), Labcorp
Classification: Uncertain significance for Neuronal ceroid lipofuscinosis. Last evaluated: 2021-10-04. Review status: criteria provided, single submitter. Criteria: Invitae Variant Classification Sherloc (09022015). Collection method: clinical testing. Allele origin: germline.
Comment: This sequence change replaces phenylalanine with leucine at codon 361 of the CLN5 protein (p.Phe361Leu). The phenylalanine residue is moderately conserved and there is a small physicochemical difference between phenylalanine and leucine. This variant is not present in population databases (ExAC no frequency). This variant has not been reported in the literature in individuals affected with CLN5-related conditions. Algorithms developed to predict the effect of missense changes on protein structure and function (SIFT, PolyPhen-2, Align-GVGD) all suggest that this variant is likely to be tolerated. In summary, the available evidence is currently insufficient to determine the role of this variant in disease. Therefore, it has been classified as a Variant of Uncertain Significance.